The following is an entry in ClinVar:

NM_018227.6(UBA6):c.1624C>T (p.Leu542=)

Gene: UBA6 (ubiquitin like modifier activating enzyme 6; minus strand). Cytogenetic location: 4q13.2.
Variant type: single nucleotide variant.
Coding change: c.1624C>T on transcript NM_018227.6 (MANE Select); coding-DNA position 1624, C replaced by T.
Protein change: p.Leu542=; no amino-acid change (leucine 542 retained).
Molecular consequence: synonymous variant.
Genome position (GRCh38, 1-based): chr4:67,639,055, G>A on the plus strand (C>T on the coding strand, the complement: UBA6 is on the minus strand). VCF-style: chr4-67639055-G-A. GRCh37 (hg19) VCF-style: chr4-68504773-G-A.
Identifiers: ClinVar variation 2654780 (VCV002654780.24), dbSNP rs200138307, ClinGen allele CA98649081.

ClinVar aggregate classification (germline): Likely benign (1 of 4 stars; one submission).

Allele frequency attached by ClinVar (database versions not stated): gnomAD exomes 0.00002.
gnomAD v4.1: 25 of 1,613,398 alleles (0.0015%); highest among the groups gnomAD compares: Non-Finnish European, 0.0019%; no homozygotes.

Submission:

CeGaT Center for Human Genetics Tuebingen
Classification: Likely benign. Last evaluated: 2023-04-01. Review status: criteria provided, single submitter. Criteria: CeGaT Center For Human Genetics Tuebingen Variant Classification Criteria Version 2. Collection method: clinical testing. Allele origin: germline. Affected: yes. Observed: 1 variant allele.
Comment: UBA6: PM2:Supporting, BP4, BP7